The following is an entry in ClinVar:

ClinVar aggregate classification (germline): Uncertain significance (1 of 4 stars; one submission).

Submission:

Labcorp Genetics (formerly Invitae), Labcorp
Classification: Uncertain significance. Last evaluated: 2024-07-29. Review status: criteria provided, single submitter. Criteria: Invitae Variant Classification Sherloc (09022015). Collection method: clinical testing. Allele origin: germline.
Comment: This sequence change replaces aspartic acid, which is acidic and polar, with tyrosine, which is neutral and polar, at codon 2412 of the DMXL2 protein (p.Asp2412Tyr). This variant is not present in population databases (gnomAD no frequency). This variant has not been reported in the literature in individuals affected with DMXL2-related conditions. ClinVar contains an entry for this variant (Variation ID: 2092719). An algorithm developed to predict the effect of missense changes on protein structure and function (PolyPhen-2) suggests that this variant is likely to be disruptive. Algorithms developed to predict the effect of sequence changes on RNA splicing suggest that this variant may disrupt the consensus splice site. In summary, the available evidence is currently insufficient to determine the role of this variant in disease. Therefore, it has been classified as a Variant of Uncertain Significance.

NM_001378457.1(DMXL2):c.7234G>T (p.Asp2412Tyr)

Gene: DMXL2 (Dmx like 2; minus strand). Cytogenetic location: 15q21.2.
Variant type: single nucleotide variant.
Coding change: c.7234G>T on transcript NM_001378457.1 (MANE Select); coding-DNA position 7234, G replaced by T.
Protein change: p.Asp2412Tyr; replaces aspartic acid 2412 with tyrosine.
Molecular consequence: missense variant. On other transcripts: non-coding transcript variant (2).
Genome position (GRCh38, 1-based): chr15:51,471,381, C>A on the plus strand (G>T on the coding strand, the complement: DMXL2 is on the minus strand). VCF-style: chr15-51471381-C-A. GRCh37 (hg19) VCF-style: chr15-51763578-C-A.
Other names: c.7234G>T, p.Asp2412Tyr (NM_001174116.3, NM_001378459.1, NM_001378461.1 and 1 more transcripts); c.5323G>T, p.Asp1775Tyr (NM_001174117.3); c.7231G>T, p.Asp2411Tyr (NM_001378458.1, NM_001378462.1, NM_015263.5); c.5212G>T, p.Asp1738Tyr (NM_001378460.1); c.6991G>T, p.Asp2331Tyr (NM_001378464.1); short protein forms D2331Y, D1738Y, D2412Y, D1775Y, D2411Y.
Identifiers: ClinVar variation 2092719 (VCV002092719.4), dbSNP rs1187092189, ClinGen allele CA392440610.